The following is an entry in ClinVar:

ClinVar aggregate classification (germline): Likely pathogenic. Review status: criteria provided, single submitter (1 of 4 stars). 2 submissions from 2 submitters: Likely pathogenic (1). 1 of the submissions does not count toward it. Last evaluated 2021-11-09.

Conditions:
Mucolipidosis type IV (ML4). Also called: ML IV. Identifiers: Orphanet 578, MedGen C0238286, MONDO:0009653, OMIM 252650.
MCOLN1-related disorder. Also called: MCOLN1-related condition.

Submissions (2):

Myriad Genetics, Inc.
Classification: Likely pathogenic for Mucolipidosis type IV. Last evaluated: 2021-11-09. Review status: criteria provided, single submitter. Criteria: Myriad Women's Health Autosomal Recessive and X-Linked Classification Criteria (2021). Collection method: clinical testing. Allele origin: unknown.
Comment: NM_020533.2(MCOLN1):c.63delG(Y22Mfs*29) is expected to be pathogenic in the context of mucolipidosis IV. This variant is predicted to lead to an abnormal or absent protein product due to the creation of a premature termination codon in MCOLN1, a gene where loss-of-function variants are known to be pathogenic. Please note: this variant was assessed in the context of healthy population screening.

PreventionGenetics, part of Exact Sciences
Classification: Likely pathogenic for MCOLN1-related condition. Last evaluated: 2023-11-27. Review status: no assertion criteria provided. Collection method: clinical testing. Allele origin: germline. Not counted in ClinVar's aggregate classification.
Comment: The MCOLN1 c.63delG variant is predicted to result in a frameshift and premature protein termination (p.Tyr22Metfs*29). To our knowledge, this variant has not been reported in the literature or in a large population database, indicating this variant is rare. Frameshift variants in MCOLN1 are expected to be pathogenic. This variant is interpreted as likely pathogenic.

NM_020533.3(MCOLN1):c.63del (p.Tyr22fs)

Gene: MCOLN1 (mucolipin TRP cation channel 1; plus strand). Cytogenetic location: 19p13.2.
Variant type: Deletion.
Coding change: c.63del on transcript NM_020533.3 (MANE Select); coding-DNA position 63, one base deleted (G; older notation c.63delG).
Protein change: p.Tyr22fs; shifts the reading frame from tyrosine 22.
Molecular consequence: frameshift variant.
Genome position (GRCh38, 1-based): chr19:7,524,992, G deleted; the last of 3 consecutive G bases (chr19:7,524,990-7,524,992); deleting any one gives the same sequence. VCF-style (leftmost placement, unchanged base first): chr19-7524989-CG-C. GRCh37 (hg19) VCF-style: chr19-7589875-CG-C.
Other names: c.63delG (NM_020533.2); short protein forms Y22fs.
Identifiers: ClinVar variation 1724318 (VCV001724318.4), dbSNP rs2512468099, ClinGen allele CA2580097061.